The following is an entry in ClinVar:

NM_001164508.2(NEB):c.21751C>T (p.Gln7251Ter)

Genes: RIF1 (replication timing regulatory factor 1; plus strand), NEB (nebulin; minus strand). Cytogenetic location: 2q23.3.
Variant type: single nucleotide variant.
Coding change: c.21751C>T on transcript NM_001164508.2 (MANE Select); coding-DNA position 21751, C replaced by T.
Protein change: p.Gln7251Ter; replaces glutamine 7251 with a stop codon.
Molecular consequence: nonsense.
Genome position (GRCh38, 1-based): chr2:151,527,570, G>A on the plus strand (C>T on the coding strand, the complement: NEB is on the minus strand). VCF-style: chr2-151527570-G-A. GRCh37 (hg19) VCF-style: chr2-152384084-G-A.
Other names: c.16648C>T, p.Gln5550Ter (NM_004543.5); c.21751C>T, p.Gln7251Ter (NM_001164507.2); c.21856C>T, p.Gln7286Ter (NM_001271208.2); short protein forms Q7286*, Q5550*, Q7251*.
Identifiers: ClinVar variation 1457927 (VCV001457927.7), dbSNP rs373946758, ClinGen allele CA348769093.

ClinVar aggregate classification (germline): Pathogenic/Likely pathogenic. Review status: criteria provided, multiple submitters, no conflicts (2 of 4 stars). 2 submissions from 2 submitters: Pathogenic (1); Likely pathogenic (1). Last evaluated 2021-08-10.

Conditions:
Arthrogryposis multiplex congenita 6. Identifiers: MedGen C5543431, MONDO:0030281, OMIM 619334.
Nemaline myopathy 2 (NEM2). Also called: Nemaline myopathy 2, autosomal recessive. Identifiers: MedGen C1850569, MONDO:0009725, OMIM 256030.

Submissions (2):

Labcorp Genetics (formerly Invitae), Labcorp
Classification: Pathogenic for Nemaline myopathy 2. Last evaluated: 2021-08-10. Review status: criteria provided, single submitter. Criteria: Invitae Variant Classification Sherloc (09022015). Collection method: clinical testing. Allele origin: germline.
Comment: This sequence change creates a premature translational stop signal (p.Gln7286*) in the NEB gene. It is expected to result in an absent or disrupted protein product. Loss-of-function variants in NEB are known to be pathogenic (PMID: 25205138). This variant is not present in population databases (ExAC no frequency). This variant has not been reported in the literature in individuals affected with NEB-related conditions. For these reasons, this variant has been classified as Pathogenic.

Molecular Genetics Department, Kulakov National Medical Research Center for Obstetrics, Gynecology and Perinatology
Classification: Likely pathogenic for Nemaline myopathy 2; Arthrogryposis multiplex congenita 6. Review status: criteria provided, single submitter. Criteria: ACMG Guidelines, 2015. Collection method: clinical testing. Allele origin: germline. Affected: yes. Observed: 1 variant allele.
Comment: A previously undescribed heterozygous nucleotide variant creates a premature translation stop signal p.Gln7251Ter in the NEB gene. Homozygous and compound heterozygous variants are reported in patients with arthrogryposis multiplex congenita 6, 619334; Nemaline myopathy 2, autosomal recessive, 256030. The variant is not present in population database (gnomAD no frequency). The variant is found in trans-position with the NEB variant (NM_001164508.2:c.25183C>T). In summary, the currently available evidence indicates that the variant is pathogenic, but additional data are needed to prove that conclusively. Therefore, this variant has been classified as likely pathogenic.

Literature cited by the submitters: PubMed 25205138 (cited by Labcorp Genetics (formerly Invitae), Labcorp).